The following is an entry in ClinVar:

NM_001267550.2(TTN):c.8116+1G>A

Gene: TTN (titin; minus strand). Cytogenetic location: 2q31.2.
Variant type: single nucleotide variant.
Coding change: c.8116+1G>A on transcript NM_001267550.2 (MANE Select); the canonical splice donor site of the intron after coding-DNA position 8116, G replaced by A.
Molecular consequence: splice donor variant.
Genome position (GRCh38, 1-based): chr2:178,771,210, C>T on the plus strand (G>A on the coding strand, the complement: TTN is on the minus strand). VCF-style: chr2-178771210-C-T. GRCh37 (hg19) VCF-style: chr2-179635937-C-T.
Other names: c.7978+1G>A (NM_003319.4, NM_133437.4, NM_133432.3); c.8116+1G>A (NM_133378.4, NM_001256850.1, NM_133379.5).
Identifiers: ClinVar variation 3748109 (VCV003748109.2).

ClinVar aggregate classification (germline): Likely pathogenic (1 of 4 stars; one submission).

Conditions:
Dilated cardiomyopathy 1G (CMD1G). Identifiers: Orphanet 154, MedGen C1858763, MONDO:0011400, OMIM 604145.
Autosomal recessive limb-girdle muscular dystrophy type 2J (LGMDR10). Also called: Limb-girdle muscular dystrophy, type 2J; MUSCULAR DYSTROPHY, LIMB-GIRDLE, AUTOSOMAL RECESSIVE 10. Identifiers: Orphanet 140922, MedGen C1837342, MONDO:0012127, OMIM 608807.

Submission:

Labcorp Genetics (formerly Invitae), Labcorp
Classification: Likely pathogenic for Dilated cardiomyopathy 1G; Autosomal recessive limb-girdle muscular dystrophy type 2J. Last evaluated: 2024-04-08. Review status: criteria provided, single submitter. Criteria: Invitae Variant Classification Sherloc (09022015). Collection method: clinical testing. Allele origin: germline.
Comment: This sequence change affects a donor splice site in intron 34 of the TTN gene. It is expected to disrupt RNA splicing and likely results in a truncated or disrupted TTN protein. This variant is not present in population databases (gnomAD no frequency). This variant has not been reported in the literature in individuals affected with TTN-related conditions. Algorithms developed to predict the effect of sequence changes on RNA splicing suggest that this variant may disrupt the consensus splice site. This variant is located in the I band of TTN (PMID: 25589632). Truncating variants in this region have been reported in individuals affected with autosomal recessive centronuclear myopathy (PMID: 23975875, Invitae internal data). Truncating variants in this region have also been identified in individuals affected with autosomal dominant dilated cardiomyopathy and/or cardio-related conditions (PMID: 27869827, 32964742, Invitae internal data). In summary, the currently available evidence indicates that the variant is pathogenic, but additional data are needed to prove that conclusively. Therefore, this variant has been classified as Likely Pathogenic.

Literature cited by the submitters: PubMed 25589632; PubMed 23975875; PubMed 27869827; PubMed 32964742.